The following is an entry in ClinVar:

NM_198428.3(BBS9):c.673C>A (p.Gln225Lys)

Gene: BBS9 (Bardet-Biedl syndrome 9; plus strand). Cytogenetic location: 7p14.3.
Variant type: single nucleotide variant.
Coding change: c.673C>A on transcript NM_198428.3 (MANE Select); coding-DNA position 673, C replaced by A.
Protein change: p.Gln225Lys; replaces glutamine 225 with lysine.
Molecular consequence: missense variant. On other transcripts: non-coding transcript variant (3).
Genome position (GRCh38, 1-based): chr7:33,264,345, C>A. VCF-style: chr7-33264345-C-A. GRCh37 (hg19) VCF-style: chr7-33303957-C-A.
Other names: c.673C>A, p.Gln225Lys (NM_001033604.2, NM_001033605.2, NM_001348036.1 and 5 more transcripts); c.307C>A, p.Gln103Lys (NM_001348037.3, NM_001348044.3, NM_001348045.3 and 1 more transcripts); c.400C>A, p.Gln134Lys (NM_001348038.3, NM_001348039.3); c.538C>A, p.Gln180Lys (NM_001348042.3); short protein forms Q103K, Q134K, Q180K, Q225K.
Identifiers: ClinVar variation 3345879 (VCV003345879.1).

ClinVar aggregate classification (germline): Uncertain significance (0 of 4 stars; one submission).

Conditions:
BBS9-related disorder. Also called: BBS9-related condition.

Submission:

PreventionGenetics, part of Exact Sciences
Classification: Uncertain significance for BBS9-related condition. Last evaluated: 2024-08-06. Review status: no assertion criteria provided. Collection method: clinical testing. Allele origin: germline.
Comment: The BBS9 c.673C>A variant is predicted to result in the amino acid substitution p.Gln225Lys. To our knowledge, this variant has not been reported in the literature or in a large population database, indicating this variant is rare. At this time, the clinical significance of this variant is uncertain due to the absence of conclusive functional and genetic evidence.